The following is an entry in ClinVar:

NM_001814.6(CTSC):c.587T>C (p.Leu196Pro)

Gene: CTSC (cathepsin C; minus strand). Cytogenetic location: 11q14.2.
Variant type: single nucleotide variant.
Coding change: c.587T>C on transcript NM_001814.6 (MANE Select); coding-DNA position 587, T replaced by C.
Protein change: p.Leu196Pro; replaces leucine 196 with proline.
Molecular consequence: missense variant.
Genome position (GRCh38, 1-based): chr11:88,309,217, A>G on the plus strand (T>C on the coding strand, the complement: CTSC is on the minus strand). VCF-style: chr11-88309217-A-G. GRCh37 (hg19) VCF-style: chr11-88042385-A-G.
Other names: short protein forms L196P.
Identifiers: ClinVar variation 2137219 (VCV002137219.8), dbSNP rs34876841, ClinGen allele CA6219916.
Genomic context (GRCh38, chr11:88,309,217, plus strand): 5'-GATTACCTTGGGATTTTTCGACTGTGGCCACCACTTCTCCTAATCATATCTCCCAGGGTA[A>G]GAGTCTCATATTCCATGTATGTAGTTGCAGTCCAAGACTTCTGAATGGCATTGATAGCTT-3'
Protein context (NP_001805.4, residues 186-206): TATTYMEYET[Leu196Pro]TLGDMIRRSG

ClinVar aggregate classification (germline): Pathogenic/Likely pathogenic. Review status: criteria provided, multiple submitters, no conflicts (2 of 4 stars). 4 submissions from 4 submitters: Pathogenic (2); Likely pathogenic (2). Last evaluated 2025-02-24.

Conditions:
Periodontitis, aggressive. Identifiers: MedGen C0031106, MONDO:0980757.
Papillon-Lefèvre syndrome (PALS). Also called: KERATOSIS PALMOPLANTARIS WITH PERIODONTOPATHIA; Papillon-Lefevre Disease. Identifiers: Orphanet 678, MedGen C0030360, MONDO:0009490, OMIM 245000.
Haim-Munk syndrome (HMS). Also called: COCHIN JEWISH DISORDER; KERATOSIS PALMOPLANTARIS WITH PERIODONTOPATHIA AND ONYCHOGRYPOSIS. Identifiers: Orphanet 2342, MedGen C1855627, MONDO:0009491, OMIM 245010.

Allele frequency attached by ClinVar (database versions not stated): gnomAD exomes 0.00001; TOPMed 0.00003; ExAC 0.00002; gnomAD 0.00005.
gnomAD v4.1: 22 of 1,613,854 alleles (0.0014%); highest among the groups gnomAD compares: African/African-American, 0.013%; no homozygotes.

Submissions (4):

Women's Health and Genetics/Laboratory Corporation of America, LabCorp
Classification: Pathogenic for Papillon-Lefèvre syndrome. Last evaluated: 2025-02-24. Review status: criteria provided, single submitter. Criteria: LabCorp Variant Classification Summary - May 2015. Collection method: clinical testing. Allele origin: germline.
Comment: Variant summary: CTSC c.587T>C (p.Leu196Pro) results in a non-conservative amino acid change in the encoded protein sequence. Three of five in-silico tools predict a damaging effect of the variant on protein function. The variant allele was found at a frequency of 1.2e-05 in 251338 control chromosomes. c.587T>C has been reported in the literature in multiple homozygous individuals from one family affected with Papillon-Lefevre syndrome (e..g, Cury_2002). It has also been identified in one homozygous individual with Haim-Munk syndrome (Cury_2005). These data indicate that the variant is very likely to be associated with disease. To our knowledge, no experimental evidence demonstrating an impact on protein function has been reported. The following publications have been ascertained in the context of this evaluation (PMID: 11922261, 15727652). ClinVar contains an entry for this variant (Variation ID: 2137219). Based on the evidence outlined above, the variant was classified as pathogenic.

Dasa
Classification: Likely pathogenic. Last evaluated: 2025-02-03. Review status: criteria provided, single submitter. Criteria: DASA Assertion Criteria. Collection method: clinical testing. Allele origin: germline.
Comment: NM_001814.6(CTSC):c.587T>C (p.Leu196Pro) is a missense variant that results in the substitution of leucine with proline. Segregation data support an association with disease in the reported family/families (PMID: 11922261; PMID: 15727652). This variant has been recurrently observed in individuals with CTSC-related disorders (PMID: 11922261; PMID: 15727652). Also, this variant is rare in population databases. Computational evidence supports a deleterious effect. Based on the currently available evidence, this variant is classified as likely pathogenic.

Labcorp Genetics (formerly Invitae), Labcorp
Classification: Pathogenic for Haim-Munk syndrome; Periodontitis, aggressive; Papillon-Lefèvre syndrome. Last evaluated: 2024-03-18. Review status: criteria provided, single submitter. Criteria: Invitae Variant Classification Sherloc (09022015). Collection method: clinical testing. Allele origin: germline.
Comment: This sequence change replaces leucine, which is neutral and non-polar, with proline, which is neutral and non-polar, at codon 196 of the CTSC protein (p.Leu196Pro). This variant is present in population databases (rs34876841, gnomAD 0.02%). This missense change has been observed in individuals with Papillon-Lefèvre syndrome and Haim–Munk syndrome (PMID: 11922261, 15727652). It has also been observed to segregate with disease in related individuals. ClinVar contains an entry for this variant (Variation ID: 2137219). Advanced modeling of protein sequence and biophysical properties (such as structural, functional, and spatial information, amino acid conservation, physicochemical variation, residue mobility, and thermodynamic stability) performed at Invitae indicates that this missense variant is expected to disrupt CTSC protein function with a positive predictive value of 80%. For these reasons, this variant has been classified as Pathogenic.

Department of Pathology and Laboratory Medicine, Sinai Health System
Classification: Likely pathogenic for Papillon-Lefevre disease. Last evaluated: 2023-08-22. Review status: criteria provided, single submitter. Criteria: ACMG Guidelines, 2015. Collection method: research. Allele origin: germline.

Literature cited by the submitters: PubMed 11922261 (cited by 3 submitters); PubMed 15727652 (cited by 3 submitters).